The following is an entry in ClinVar:

ClinVar aggregate classification (germline): Conflicting classifications of pathogenicity. Review status: criteria provided, conflicting classifications (1 of 4 stars). 5 submissions from 5 submitters: Uncertain significance (2); Likely benign (3). Last evaluated 2026-08-05.

Conditions:
ZNF469-related disorder. Also called: ZNF469-related condition.
Cardiovascular phenotype. Identifiers: MedGen CN230736.

Allele frequency attached by ClinVar (database versions not stated): gnomAD 0.00003 and 0.00005; gnomAD exomes 0.00004 and 0.00024; TOPMed 0.00006; 1000 Genomes Project 30x 0.00016.
gnomAD v4.1: 71 of 1,544,484 alleles (0.0046%); highest among the groups gnomAD compares: East Asian, 0.13%; no homozygotes.

Submissions (5):

PreventionGenetics, part of Exact Sciences
Classification: Likely benign for ZNF469-related condition. Last evaluated: 2026-08-05. Review status: criteria provided, single submitter. Criteria: ACMG Guidelines, 2015. Collection method: clinical testing. Allele origin: germline.
Comment: This variant is classified as likely benign based on ACMG/AMP sequence variant interpretation guidelines (Richards et al. 2015 PMID: 25741868, with internal and published modifications).

Labcorp Genetics (formerly Invitae), Labcorp
Classification: Likely benign. Last evaluated: 2026-01-19. Review status: criteria provided, single submitter. Criteria: Invitae Variant Classification Sherloc (09022015). Collection method: clinical testing. Allele origin: germline.

Ambry Genetics
Classification: Likely benign for Cardiovascular phenotype. Last evaluated: 2019-09-16. Review status: criteria provided, single submitter. Criteria: Ambry Variant Classification Scheme 2023. Collection method: clinical testing. Allele origin: germline.

GeneDx
Classification: Uncertain significance. Last evaluated: 2017-10-31. Review status: criteria provided, single submitter. Criteria: GeneDx Variant Classification (06012015). Collection method: clinical testing. Allele origin: germline. Affected: yes.
Comment: A variant of uncertain significance has been identified in the ZNF469 gene. The A1156T variant has been reported in one individual with keratoconus who also harbored a potentially disease-causing variant in the DOCK9 gene (Yu et al., 2017). The A1156T variant is observed in 36/11614 (0.31%) alleles from individuals of East Asian ancestry in large population cohorts (Lek et al., 2016). This substitution occurs at a position that is not conserved across species. In silico analysis predicts this variant likely does not alter the protein structure/function. Nevertheless, the A1156T variant is a non-conservative amino acid substitution, which is likely to impact secondary protein structure as these residues differ in polarity, charge, size and/or other properties.

Breakthrough Genomics
Classification: Uncertain significance. Review status: criteria provided, single submitter. Criteria: ACMG Guidelines, 2015. Collection method: not provided. Allele origin: germline. Inheritance: Autosomal recessive inheritance. Affected: yes.

NM_001367624.2(ZNF469):c.3550G>A (p.Ala1184Thr)

Gene: ZNF469 (zinc finger protein 469; plus strand). Cytogenetic location: 16q24.2.
Variant type: single nucleotide variant.
Coding change: c.3550G>A on transcript NM_001367624.2 (MANE Select); coding-DNA position 3550, G replaced by A.
Protein change: p.Ala1184Thr; replaces alanine 1184 with threonine.
Molecular consequence: missense variant.
Genome position (GRCh38, 1-based): chr16:88,431,020, G>A. VCF-style: chr16-88431020-G-A. GRCh37 (hg19) VCF-style: chr16-88497428-G-A.
Other names: NM_001127464.1:c.3466G>A; NM_001127464.2:c.3466G>A; short protein forms A1184T.
Identifiers: ClinVar variation 453101 (VCV000453101.8), dbSNP rs553460850, ClinGen allele CA286375002.